The following is an entry in ClinVar:

NM_001244008.2(KIF1A):c.3652A>G (p.Lys1218Glu)

Gene: KIF1A (kinesin family member 1A; minus strand). Cytogenetic location: 2q37.3.
Variant type: single nucleotide variant.
Coding change: c.3652A>G on transcript NM_001244008.2 (MANE Select); coding-DNA position 3652, A replaced by G.
Protein change: p.Lys1218Glu; replaces lysine 1218 with glutamic acid.
Molecular consequence: missense variant.
Genome position (GRCh38, 1-based): chr2:240,741,366, T>C on the plus strand (A>G on the coding strand, the complement: KIF1A is on the minus strand). VCF-style: chr2-240741366-T-C. GRCh37 (hg19) VCF-style: chr2-241680783-T-C.
Other names: c.3376A>G, p.Lys1126Glu (NM_001320705.2, NM_001330289.2, NM_001379638.1); c.3451A>G, p.Lys1151Glu (NM_001330290.2, NM_001379634.1, NM_001379635.1 and 1 more transcripts); c.3727A>G, p.Lys1243Glu (NM_001379631.1); c.3601A>G, p.Lys1201Glu (NM_001379632.1); c.3625A>G, p.Lys1209Glu (NM_001379633.1, NM_001379642.1, NM_001379645.1); c.3349A>G, p.Lys1117Glu (NM_001379636.1, NM_001379639.1, NM_001379641.1 and 5 more transcripts); c.3424A>G, p.Lys1142Glu (NM_001379637.1, NM_001379648.1); c.3346A>G, p.Lys1116Glu (NM_001379640.1); short protein forms K1201E, K1151E, K1116E, K1126E, K1117E, K1142E, K1209E, K1218E.
Identifiers: ClinVar variation 1358467 (VCV001358467.8), dbSNP rs2125754721, ClinGen allele CA351315721.

ClinVar aggregate classification (germline): Uncertain significance (1 of 4 stars; one submission).

Conditions:
Neuropathy, hereditary sensory, type 2C. Also called: KIF1A-Related HSAN2 (HSAN2C); Hereditary sensory and autonomic neuropathy type IIC. Identifiers: Orphanet 970, MedGen C3280168, MONDO:0013634, OMIM 614213.
Intellectual disability, autosomal dominant 9 (NESCAVS). Also called: KIF1A-Related Neurodevelopmental Disorder; NESCAV SYNDROME. Identifiers: Orphanet 662367, MedGen C5393830, MONDO:0013656, OMIM 614255.
Hereditary spastic paraplegia 30. Identifiers: Orphanet 101010, MedGen C5235139, MONDO:0012476.

Submission:

Labcorp Genetics (formerly Invitae), Labcorp
Classification: Uncertain significance for Hereditary spastic paraplegia 30; Neuropathy, hereditary sensory, type 2C; Intellectual disability, autosomal dominant 9. Last evaluated: 2022-10-21. Review status: criteria provided, single submitter. Criteria: Invitae Variant Classification Sherloc (09022015). Collection method: clinical testing. Allele origin: germline.
Comment: This sequence change replaces lysine, which is basic and polar, with glutamic acid, which is acidic and polar, at codon 1117 of the KIF1A protein (p.Lys1117Glu). This variant is not present in population databases (gnomAD no frequency). This variant has not been reported in the literature in individuals affected with KIF1A-related conditions. ClinVar contains an entry for this variant (Variation ID: 1358467). Advanced modeling of protein sequence and biophysical properties (such as structural, functional, and spatial information, amino acid conservation, physicochemical variation, residue mobility, and thermodynamic stability) performed at Invitae indicates that this missense variant is not expected to disrupt KIF1A protein function. In summary, the available evidence is currently insufficient to determine the role of this variant in disease. Therefore, it has been classified as a Variant of Uncertain Significance.